The following is an entry in ClinVar:

NM_001142800.2(EYS):c.3809T>G (p.Val1270Gly)

Gene: EYS (EGF-like photoreceptor maintenance factor; minus strand). Cytogenetic location: 6q12.
Variant type: single nucleotide variant.
Coding change: c.3809T>G on transcript NM_001142800.2 (MANE Select); coding-DNA position 3809, T replaced by G.
Protein change: p.Val1270Gly; replaces valine 1270 with glycine.
Molecular consequence: missense variant.
Genome position (GRCh38, 1-based): chr6:64,593,185, A>C on the plus strand (T>G on the coding strand, the complement: EYS is on the minus strand). VCF-style: chr6-64593185-A-C. GRCh37 (hg19) VCF-style: chr6-65303078-A-C.
Other names: c.3809T>G, p.Val1270Gly (NM_001292009.2); short protein forms V1270G.
Identifiers: ClinVar variation 847373 (VCV000847373.16), dbSNP rs368856942, ClinGen allele CA3877129.
Genomic context (GRCh38, chr6:64,593,185, plus strand): 5'-ACTGGGTAAGTGTCCATTATGGCTGGTATTCTAGTAGCCTTTATAGATGGAAAGCTGCTG[A>C]CCAAAGTCTCAGAAGGGGGAATTGTATATGTCTGTGTGGAAATGGGATCTGTTCTTTGAA-3'
Protein context (NP_001136272.1, residues 1260-1280): TYTIPPSETL[Val1270Gly]SSFPSIKATR

ClinVar aggregate classification (germline): Conflicting classifications of pathogenicity. Review status: criteria provided, conflicting classifications (1 of 4 stars). 6 submissions from 6 submitters: Likely pathogenic (2); Uncertain significance (4). Last evaluated 2025-11-14.

Conditions:
Retinal dystrophy. Also called: Inherited retinal dystrophy. Identifiers: Orphanet 71862, MedGen C0854723, MeSH D058499, MONDO:0019118, HP:0000556.
Retinitis pigmentosa 25 (RP25). Identifiers: Orphanet 791, MedGen C1864446, MONDO:0011272, OMIM 602772.
Retinitis pigmentosa (RP). Identifiers: Orphanet 791, MedGen C0035334, MeSH D012174, MONDO:0019200, OMIM 268000. Inheritance: Autosomal dominant, autosomal recessive and X linked inheritance.

Allele frequency attached by ClinVar (database versions not stated): gnomAD exomes 0.00003; ExAC 0.00005; 1000 Genomes Project 30x 0.00031; 1000 Genomes Project 0.00040; TOPMed 0.00001.
gnomAD v4.1: 134 of 1,550,018 alleles (0.0086%); highest among the groups gnomAD compares: East Asian, 0.33%; 1 homozygote.

Submissions (6):

Myriad Genetics, Inc.
Classification: Uncertain significance for Retinitis pigmentosa 25. Last evaluated: 2025-11-14. Review status: criteria provided, single submitter. Criteria: Myriad Autosomal Dominant, Autosomal Recessive and X-Linked Classification Criteria (2023). Collection method: clinical testing. Allele origin: unknown.
Comment: NM_001142800.1(EYS):c.3809T>G(V1270G) is a missense variant classified as a variant of uncertain significance in the context of retinitis pigmentosa, EYS-related. V1270G has been observed in cases with relevant disease (PMID: 31213501, 32218477, 22302105, 33691693, 31814702, 33247286, 36819107). Relevant functional assessments of this variant are not available in the literature. V1270G has been observed in referenced population frequency databases. In summary, there is insufficient evidence to classify NM_001142800.1(EYS):c.3809T>G(V1270G) as pathogenic or benign. Please note: this variant was assessed in the context of healthy population screening.

Natera, Inc.
Classification: Likely pathogenic for Retinitis pigmentosa type 25. Last evaluated: 2025-11-04. Review status: criteria provided, single submitter. Criteria: Natera Variant Classification Schema (03/2026). Collection method: clinical testing. Allele origin: germline.
Comment: The c.3809T>G variant in EYS is a missense variant predicted to cause substitution of valine to glycine at amino acid 1270. This variant is rare in the general population with a frequency below the threshold expected for the associated phenotype(s). This variant has been observed in one or more individuals affected with the associated recessive disease, as either homozygous or compound heterozygous with a second variant (PMID: 32218477, 33247286, 31814702, 36819107). Multiple computational prediction algorithms suggest this variant is unlikely to affect gene or protein function. Given the available evidence, this variant is classified as Likely Pathogenic.

Dept Of Ophthalmology, Nagoya University
Classification: Uncertain significance for Retinal dystrophy. Last evaluated: 2023-10-01. Review status: criteria provided, single submitter. Criteria: Submitter's publication. Collection method: research. Allele origin: germline. Affected: yes.

Labcorp Genetics (formerly Invitae), Labcorp
Classification: Likely pathogenic. Last evaluated: 2023-08-07. Review status: criteria provided, single submitter. Criteria: Invitae Variant Classification Sherloc (09022015). Collection method: clinical testing. Allele origin: germline.
Comment: This missense change has been observed in individual(s) with retinitis pigmentosa (PMID: 22302105, 31814702, 32218477, 33691693). In at least one individual the data is consistent with being in trans (on the opposite chromosome) from a pathogenic variant. ClinVar contains an entry for this variant (Variation ID: 847373). Algorithms developed to predict the effect of missense changes on protein structure and function output the following: SIFT: "Not Available"; PolyPhen-2: "Benign"; Align-GVGD: "Not Available". The glycine amino acid residue is found in multiple mammalian species, which suggests that this missense change does not adversely affect protein function. In summary, the currently available evidence indicates that the variant is pathogenic, but additional data are needed to prove that conclusively. Therefore, this variant has been classified as Likely Pathogenic. This variant is present in population databases (rs368856942, gnomAD 0.05%). This sequence change replaces valine, which is neutral and non-polar, with glycine, which is neutral and non-polar, at codon 1270 of the EYS protein (p.Val1270Gly).

Blueprint Genetics
Classification: Uncertain significance. Last evaluated: 2023-05-23. Review status: criteria provided, single submitter. Criteria: ACMG Guidelines, 2015. Collection method: clinical testing. Allele origin: germline.

Illumina Laboratory Services, Illumina
Classification: Uncertain significance for Retinitis pigmentosa. Last evaluated: 2017-04-27. Review status: criteria provided, single submitter. Criteria: ICSL Variant Classification Criteria 13 December 2019. Collection method: clinical testing. Allele origin: germline.
Comment: This variant was observed as part of a predisposition screen in an ostensibly healthy population. A literature search was performed for the gene, cDNA change, and amino acid change (where applicable). Publications were found based on this search. However, the evidence from the literature, in combination with allele frequency data from public databases where available, was not sufficient to rule this variant in or out of causing disease. Therefore, this variant is classified as a variant of unknown significance.

Literature cited by the submitters: PubMed 22302105 (cited by 3 submitters); PubMed 31213501 (cited by Myriad Genetics, Inc.); PubMed 31814702 (cited by 3 submitters); PubMed 32218477 (cited by 3 submitters); PubMed 33247286 (cited by Myriad Genetics, Inc. and Natera, Inc.); PubMed 33691693 (cited by Myriad Genetics, Inc. and Labcorp Genetics (formerly Invitae), Labcorp); PubMed 36819107 (cited by Myriad Genetics, Inc. and Natera, Inc.); PubMed 22363543 (cited by Illumina Laboratory Services, Illumina).